The following is an entry in ClinVar:

NM_002474.3(MYH11):c.2447T>C (p.Met816Thr)

Gene: MYH11 (myosin heavy chain 11; minus strand). Cytogenetic location: 16p13.11.
Variant type: single nucleotide variant.
Coding change: c.2447T>C on transcript NM_002474.3 (MANE Select); coding-DNA position 2447, T replaced by C.
Protein change: p.Met816Thr; replaces methionine 816 with threonine.
Molecular consequence: missense variant.
Genome position (GRCh38, 1-based): chr16:15,745,202, A>G on the plus strand (T>C on the coding strand, the complement: MYH11 is on the minus strand). VCF-style: chr16-15745202-A-G. GRCh37 (hg19) VCF-style: chr16-15839059-A-G.
Other names: c.2468T>C, p.Met823Thr (NM_001040113.2, NM_001040114.2); c.2447T>C, p.Met816Thr (NM_022844.3); short protein forms M816T, M823T.
Identifiers: ClinVar variation 4529794 (VCV004529794.2).

ClinVar aggregate classification (germline): Uncertain significance. Review status: criteria provided, multiple submitters, no conflicts (2 of 4 stars). 2 submissions from 2 submitters: Uncertain significance (2). Last evaluated 2025-06-23.

Conditions:
Familial thoracic aortic aneurysm and aortic dissection (TAAD). Also called: Thoracic aortic aneurysms and dissections. Identifiers: Orphanet 91387, MedGen C4707243, MONDO:0019625.

gnomAD v4.1: 2 of 1,613,296 alleles (0.00012%); highest among the groups gnomAD compares: Admixed American, 0.0017%; no homozygotes.

Submissions (2):

Color Diagnostics, LLC DBA Color Health
Classification: Uncertain significance for Familial thoracic aortic aneurysm and aortic dissection. Last evaluated: 2025-06-23. Review status: criteria provided, single submitter. Criteria: ACMG Guidelines, 2015. Collection method: clinical testing. Allele origin: germline.
Comment: This missense variant replaces methionine with threonine at codon 823 of the MYH11 protein. Computational prediction is inconclusive regarding the impact of this variant on protein structure and function. To our knowledge, functional studies have not been reported for this variant. This variant has not been reported in individuals affected with MYH11-related disorders in the literature. This variant has been identified in 1/251412 chromosomes in the general population by the Genome Aggregation Database (gnomAD). The available evidence is insufficient to determine the role of this variant in disease conclusively. Therefore, this variant is classified as a Variant of Uncertain Significance.

GeneDx
Classification: Uncertain significance. Last evaluated: 2025-05-13. Review status: criteria provided, single submitter. Criteria: GeneDx Variant Classification Process June 2021. Collection method: clinical testing. Allele origin: germline. Affected: yes.
Comment: Not observed at significant frequency in large population cohorts (gnomAD); In silico analysis supports that this missense variant has a deleterious effect on protein structure/function; Has not been previously published as pathogenic or benign to our knowledge